The following is an entry in ClinVar:

ClinVar aggregate classification (germline): Uncertain significance (1 of 4 stars; one submission).

Conditions:
PURA-related severe neonatal hypotonia-seizures-encephalopathy syndrome (NEDRIHF). Also called: PURA-Related Neurodevelopmental Disorders; NEURODEVELOPMENTAL DISORDER WITH NEONATAL RESPIRATORY INSUFFICIENCY, HYPOTONIA, AND FEEDING DIFFICULTIES. Identifiers: Orphanet 438213, Orphanet 438216, MedGen C4015357, MONDO:1060108, OMIM 616158, MONDO:0018580.

Submission:

Juno Genomics, Hangzhou Juno Genomics, Inc
Classification: Uncertain significance for PURA-related severe neonatal hypotonia-seizures-encephalopathy syndrome. Review status: criteria provided, single submitter. Criteria: ACMG Guidelines, 2015. Collection method: clinical testing. Allele origin: germline.
Comment: Absent from controls (or at extremely low frequency if recessive) in Genome Aggregation Database.;Novel missense change at an amino acid residue where a different missense change determined to be pathogenic has been seen before.;Missense variant in a gene that has a low rate of benign missense variation.

NM_005859.5(PURA):c.562A>G (p.Ile188Val)

Gene: PURA (purine rich element binding protein A; plus strand). Cytogenetic location: 5q31.3.
Variant type: single nucleotide variant.
Coding change: c.562A>G on transcript NM_005859.5 (MANE Select); coding-DNA position 562, A replaced by G.
Protein change: p.Ile188Val; replaces isoleucine 188 with valine.
Molecular consequence: missense variant.
Genome position (GRCh38, 1-based): chr5:140,114,743, A>G. VCF-style: chr5-140114743-A-G. GRCh37 (hg19) VCF-style: chr5-139494328-A-G.
Other names: short protein forms I188V.
Identifiers: ClinVar variation 5006845 (VCV005006845.2).